The following is an entry in ClinVar:

NM_000051.4(ATM):c.6671dup (p.Met2224fs)

Genes: ATM (ATM serine/threonine kinase; plus strand), C11orf65 (chromosome 11 open reading frame 65; minus strand). Cytogenetic location: 11q22.3.
Variant type: Duplication.
Coding change: c.6671dup on transcript NM_000051.4 (MANE Select); coding-DNA position 6671, one base duplicated (T; older notation c.6671dupT).
Protein change: p.Met2224fs; shifts the reading frame from methionine 2224.
Molecular consequence: frameshift variant. On other transcripts: intron variant (2).
Genome position (GRCh38, 1-based): chr11:108,325,408, T duplicated. VCF-style (leftmost placement, unchanged base first): chr11-108325407-A-AT. GRCh37 (hg19) VCF-style: chr11-108196134-A-AT.
Other names: c.6671dup, p.Met2224fs (NM_001351834.2); c.641-16337dup (NM_001330368.2); c.*38+9812dup (NM_001351110.2); c.6671dupT (NM_000051.3); short protein forms M2224fs.
Identifiers: ClinVar variation 2573231 (VCV002573231.1), dbSNP rs2547202550, ClinGen allele CA2580615047.

ClinVar aggregate classification (germline): Pathogenic/Likely pathogenic. Review status: criteria provided, multiple submitters, no conflicts (2 of 4 stars). 3 submissions from 3 submitters: Pathogenic (2); Likely pathogenic (1). Last evaluated 2025-10-14.

Conditions:
Ataxia-telangiectasia syndrome (AT). Also called: LOUIS-BAR SYNDROME; Cerebello-oculocutaneous telangiectasia; Immunodeficiency with ataxia telangiectasia; Ataxia-telangiectasia, complementation group E; Ataxia-telangiectasia, complementation group D; AT, COMPLEMENTATION GROUP C. Identifiers: Orphanet 100, MedGen C0004135, MONDO:0008840, OMIM 208900.
Familial cancer of breast. Also called: BREAST CANCER, FAMILIAL; Hereditary breast cancer; hereditary breast carcinoma. Identifiers: Orphanet 227535, MedGen C0346153, MONDO:0016419, OMIM 114480. Disease mechanism: loss of function.

Allele frequency attached by ClinVar (database versions not stated): gnomAD exomes below 0.00001.

Submissions (3):

Labcorp Genetics (formerly Invitae), Labcorp
Classification: Pathogenic for Ataxia-telangiectasia syndrome. Last evaluated: 2025-10-14. Review status: criteria provided, single submitter. Criteria: Invitae Variant Classification Sherloc (09022015). Collection method: clinical testing. Allele origin: germline.
Comment: This sequence change creates a premature translational stop signal (p.Met2224Ilefs*25) in the ATM gene. It is expected to result in an absent or disrupted protein product. Loss-of-function variants in ATM are known to be pathogenic (PMID: 23807571, 25614872). This variant is not present in population databases (gnomAD no frequency). This premature translational stop signal has been observed in individual(s) with personal and/or family history of breast cancer (PMID: 34887416). ClinVar contains an entry for this variant (Variation ID: 2573231). For these reasons, this variant has been classified as Pathogenic.

Natera, Inc.
Classification: Likely pathogenic for Ataxia-telangiectasia. Last evaluated: 2024-04-23. Review status: criteria provided, single submitter. Criteria: Natera Variant Classification Schema (03/2026). Collection method: clinical testing. Allele origin: germline.
Comment: The c.6671dupT variant in ATM is a frameshift variant predicted to shift the reading frame beginning at codon 2224 and leads to a stop codon 25 codons downstream. This variant is expected to result in nonsense mediated decay, truncation, or a dysfunctional protein product. This variant is rare in the general population with a frequency below the threshold expected for the associated phenotype(s). Given the available evidence, this variant is classified as Likely Pathogenic.

Myriad Genetics, Inc.
Classification: Pathogenic for Familial cancer of breast. Last evaluated: 2023-03-14. Review status: criteria provided, single submitter. Criteria: Myriad Autosomal Dominant, Autosomal Recessive and X-Linked Classification Criteria (2023). Collection method: clinical testing. Allele origin: unknown.
Comment: This variant is considered pathogenic. This variant creates a frameshift predicted to result in premature protein truncation.

Literature cited by the submitters: PubMed 23807571 (cited by Labcorp Genetics (formerly Invitae), Labcorp); PubMed 25614872 (cited by Labcorp Genetics (formerly Invitae), Labcorp); PubMed 34887416 (cited by Labcorp Genetics (formerly Invitae), Labcorp).